The following is an entry in ClinVar:

NM_014159.7(SETD2):c.2848C>T (p.Arg950Cys)

Gene: SETD2 (SET domain containing 2, histone lysine methyltransferase; minus strand). Cytogenetic location: 3p21.31.
Variant type: single nucleotide variant.
Coding change: c.2848C>T on transcript NM_014159.7 (MANE Select); coding-DNA position 2848, C replaced by T.
Protein change: p.Arg950Cys; replaces arginine 950 with cysteine.
Molecular consequence: missense variant. On other transcripts: non-coding transcript variant (1).
Genome position (GRCh38, 1-based): chr3:47,121,788, G>A on the plus strand (C>T on the coding strand, the complement: SETD2 is on the minus strand). VCF-style: chr3-47121788-G-A. GRCh37 (hg19) VCF-style: chr3-47163278-G-A.
Other names: c.2716C>T, p.Arg906Cys (NM_001349370.3); short protein forms R906C, R950C.
Identifiers: ClinVar variation 3239379 (VCV003239379.22), dbSNP rs372092336.

ClinVar aggregate classification (germline): Conflicting classifications of pathogenicity. Review status: criteria provided, conflicting classifications (1 of 4 stars). 3 submissions from 3 submitters: Uncertain significance (2); Likely benign (1). Last evaluated 2026-04-11.

Conditions:
Luscan-Lumish syndrome. Identifiers: Orphanet 597738, MedGen C4085873, MONDO:0014791, OMIM 616831.

Allele frequency attached by ClinVar (database versions not stated): ExAC 0.00003; ESP Exome Variant Server 0.00008.
gnomAD v4.1: 49 of 1,613,890 alleles (0.003%); highest among the groups gnomAD compares: African/African-American, 0.015%; no homozygotes.

Submissions (3):

GeneDx
Classification: Uncertain significance. Last evaluated: 2026-04-11. Review status: criteria provided, single submitter. Criteria: GeneDx Variant Classification Process June 2021. Collection method: clinical testing. Allele origin: germline.
Comment: In silico analysis supports that this missense variant has a deleterious effect on protein structure/function; Has not been previously published as pathogenic or benign to our knowledge

Labcorp Genetics (formerly Invitae), Labcorp
Classification: Uncertain significance for Luscan-Lumish syndrome. Last evaluated: 2024-08-29. Review status: criteria provided, single submitter. Criteria: Invitae Variant Classification Sherloc (09022015). Collection method: clinical testing. Allele origin: germline.
Comment: This sequence change replaces arginine, which is basic and polar, with cysteine, which is neutral and slightly polar, at codon 950 of the SETD2 protein (p.Arg950Cys). This variant is present in population databases (rs372092336, gnomAD 0.01%). This variant has not been reported in the literature in individuals affected with SETD2-related conditions. Invitae Evidence Modeling of protein sequence and biophysical properties (such as structural, functional, and spatial information, amino acid conservation, physicochemical variation, residue mobility, and thermodynamic stability) indicates that this missense variant is not expected to disrupt SETD2 protein function with a negative predictive value of 80%. In summary, the available evidence is currently insufficient to determine the role of this variant in disease. Therefore, it has been classified as a Variant of Uncertain Significance.

CeGaT Center for Human Genetics Tuebingen
Classification: Likely benign. Last evaluated: 2024-05-01. Review status: criteria provided, single submitter. Criteria: CeGaT Center For Human Genetics Tuebingen Variant Classification Criteria Version 2. Collection method: clinical testing. Allele origin: germline. Affected: yes. Observed: 1 variant allele.
Comment: SETD2: BP4